The following is an entry in ClinVar:

NM_000553.6(WRN):c.1052T>C (p.Leu351Pro)

Gene: WRN (WRN RecQ like helicase; plus strand). Cytogenetic location: 8p12.
Variant type: single nucleotide variant.
Coding change: c.1052T>C on transcript NM_000553.6 (MANE Select); coding-DNA position 1052, T replaced by C.
Protein change: p.Leu351Pro; replaces leucine 351 with proline.
Molecular consequence: missense variant.
Genome position (GRCh38, 1-based): chr8:31,081,079, T>C. VCF-style: chr8-31081079-T-C. GRCh37 (hg19) VCF-style: chr8-30938595-T-C.
Other names: short protein forms L351P.
Identifiers: ClinVar variation 1504088 (VCV001504088.6), dbSNP rs2130119398, ClinGen allele CA370920447.

ClinVar aggregate classification (germline): Uncertain significance (1 of 4 stars; one submission).

Conditions:
Werner syndrome (WRN). Identifiers: Orphanet 902, MedGen C0043119, MONDO:0010196, OMIM 277700.

Submission:

Labcorp Genetics (formerly Invitae), Labcorp
Classification: Uncertain significance for Werner syndrome. Last evaluated: 2021-10-31. Review status: criteria provided, single submitter. Criteria: Invitae Variant Classification Sherloc (09022015). Collection method: clinical testing. Allele origin: germline.
Comment: Algorithms developed to predict the effect of missense changes on protein structure and function output the following: SIFT: "Not Available"; PolyPhen-2: "Benign"; Align-GVGD: "Not Available". The proline amino acid residue is found in multiple mammalian species, which suggests that this missense change does not adversely affect protein function. This sequence change replaces leucine, which is neutral and non-polar, with proline, which is neutral and non-polar, at codon 351 of the WRN protein (p.Leu351Pro). This variant is not present in population databases (gnomAD no frequency). This variant has not been reported in the literature in individuals affected with WRN-related conditions. In summary, the available evidence is currently insufficient to determine the role of this variant in disease. Therefore, it has been classified as a Variant of Uncertain Significance.